The following is an entry in ClinVar:

NM_001244008.2(KIF1A):c.746T>C (p.Leu249Pro)

Gene: KIF1A (kinesin family member 1A; minus strand). Cytogenetic location: 2q37.3.
Variant type: single nucleotide variant.
Coding change: c.746T>C on transcript NM_001244008.2 (MANE Select); coding-DNA position 746, T replaced by C.
Protein change: p.Leu249Pro; replaces leucine 249 with proline.
Molecular consequence: missense variant.
Genome position (GRCh38, 1-based): chr2:240,783,791, A>G on the plus strand (T>C on the coding strand, the complement: KIF1A is on the minus strand). VCF-style: chr2-240783791-A-G. GRCh37 (hg19) VCF-style: chr2-241723208-A-G.
Other names: c.746T>C, p.Leu249Pro (NM_001379640.1, NM_001379641.1, NM_001379642.1 and 20 more transcripts); c.746T>C (NM_004321.6); short protein forms L249P.
Identifiers: ClinVar variation 986214 (VCV000986214.6), dbSNP rs672601371, ClinGen allele CA351303238.

ClinVar aggregate classification (germline): Pathogenic/Likely pathogenic. Review status: criteria provided, multiple submitters, no conflicts (2 of 4 stars). 4 submissions from 4 submitters: Pathogenic (1); Likely pathogenic (3). Last evaluated 2022-09-21.

Conditions:
Inborn genetic diseases. Identifiers: MedGen C0950123, MeSH D030342.
KIF1A-related disorder. Also called: KIF1A-related disorders; KIF1A-related condition.
Intellectual disability, autosomal dominant 9 (NESCAVS). Also called: NESCAV SYNDROME; KIF1A-Related Neurodevelopmental Disorder. Identifiers: Orphanet 662367, MedGen C5393830, MONDO:0013656, OMIM 614255.

Submissions (4):

GeneDx
Classification: Pathogenic. Last evaluated: 2022-09-21. Review status: criteria provided, single submitter. Criteria: GeneDx Variant Classification Process June 2021. Collection method: clinical testing. Allele origin: germline. Affected: yes.
Comment: Not observed at significant frequency in large population cohorts (gnomAD); In silico analysis supports that this missense variant has a deleterious effect on protein structure/function; This variant is associated with the following publications: (PMID: 26125038, 21820098, 21376300, 29589274)

Blueprint Genetics
Classification: Likely pathogenic for KIF1A-related disorders. Last evaluated: 2021-02-24. Review status: criteria provided, single submitter. Criteria: ACMG Guidelines, 2015. Collection method: clinical testing. Allele origin: germline. Affected: yes. Observed: 1 variant allele.

Laboratory for Molecular Medicine, Mass General Brigham Personalized Medicine
Classification: Likely pathogenic for Intellectual disability, autosomal dominant 9. Last evaluated: 2020-10-21. Review status: criteria provided, single submitter. Criteria: ACMG Guidelines, 2015. Collection method: clinical testing. Allele origin: germline. Inheritance: Autosomal dominant inheritance.
Comment: The individual also carried a de novo duplication of 22q11.23 that is known to demonstrate variable expression and incomplete penetrance (Demily 2018, PMID: 29589274). It was absent from large population studies. Another variant involving this codon (p.Leu249Gln) has been identified in other individuals with KIF1A-related neurological disorder (ClinVar variation ID 162061) suggesting that changes at this codon are not tolerated. Computational prediction tools and conservation analyses suggest that this variant may impact the protein, though this information is not predictive enough to determine pathogenicity. The number of missense variants reported in this region of the KIF1A gene in the general population is lower than expected, suggesting that a missense variant in this region may not be tolerated. In summary, although additional studies are required to fully establish its clinical significance, this variant meets criteria to be classified as likely pathogenic for autosomal dominant KIF1A-related neurological disorder. ACMG/AMP Criteria applied: PS2, PM2_Supporting, PM5_Supporting, PP2, PP3

Ambry Genetics
Classification: Likely pathogenic for Inborn genetic diseases. Last evaluated: 2019-08-29. Review status: criteria provided, single submitter. Criteria: Ambry exome assertion method (8-5-2015). Collection method: clinical testing. Allele origin: germline. Affected: yes. Observed: 1 variant allele.

Literature cited by the submitters: PubMed 29589274 (cited by Laboratory for Molecular Medicine, Mass General Brigham Personalized Medicine and Ambry Genetics); PubMed 25209998 (cited by Ambry Genetics).